The following is an entry in ClinVar:

NM_016953.4(PDE11A):c.1263A>G (p.Glu421=)

Gene: PDE11A (phosphodiesterase 11A; minus strand). Cytogenetic location: 2q31.2.
Variant type: single nucleotide variant.
Coding change: c.1263A>G on transcript NM_016953.4 (MANE Select); coding-DNA position 1263, A replaced by G.
Protein change: p.Glu421=; no amino-acid change (glutamic acid 421 retained).
Molecular consequence: synonymous variant.
Genome position (GRCh38, 1-based): chr2:177,898,097, T>C on the plus strand (A>G on the coding strand, the complement: PDE11A is on the minus strand). VCF-style: chr2-177898097-T-C. GRCh37 (hg19) VCF-style: chr2-178762824-T-C.
Other names: NC_000002.11:g.178762824T>C; c.513A>G, p.Glu171= (NM_001077197.2); c.189A>G, p.Glu63= (NM_001077358.2).
Identifiers: ClinVar variation 3060620 (VCV003060620.4), dbSNP rs71423514, ClinGen allele CA1982063.

ClinVar aggregate classification (germline): Benign. Review status: criteria provided, single submitter (1 of 4 stars). 2 submissions from 2 submitters: Benign (1). 1 of the submissions does not count toward it. Last evaluated 2024-11-26.

Conditions:
PDE11A-related disorder. Also called: PDE11A-related condition.

Allele frequency attached by ClinVar (database versions not stated): 1000 Genomes Project 30x 0.05778; 1000 Genomes Project 0.06010; TOPMed 0.08903; gnomAD 0.10509; ESP Exome Variant Server 0.11233; ExAC 0.11682; gnomAD exomes 0.13684.

Submissions (4):

Blueprint Genetics
Classification: Benign. Last evaluated: 2024-11-26. Review status: criteria provided, single submitter. Criteria: ACMG Guidelines, 2015. Collection method: clinical testing. Allele origin: germline.

PreventionGenetics, part of Exact Sciences
Classification: Benign for PDE11A-related condition. Last evaluated: 2019-10-17. Review status: no assertion criteria provided. Collection method: clinical testing. Allele origin: germline. Not counted in ClinVar's aggregate classification.
Comment: This variant is classified as benign based on ACMG/AMP sequence variant interpretation guidelines (Richards et al. 2015 PMID: 25741868, with internal and published modifications).

Dr. Peter K. Rogan Lab, Western University
No classification provided (evidence only). Condition: Cholangiocarcinoma. Review status: no classification provided. Collection method: in vitro. Allele origin: not applicable. Functional consequence: retained intron. Not counted in ClinVar's aggregate classification.

Dr. Peter K. Rogan Lab, Western University
No classification provided (evidence only). Condition: Uterine carcinosarcoma. Review status: no classification provided. Collection method: in vitro. Allele origin: not applicable. Functional consequence: retained intron. Not counted in ClinVar's aggregate classification.